The following is an entry in ClinVar:

NM_001367721.1(CASK):c.2047G>T (p.Ala683Ser)

Gene: CASK (calcium/calmodulin dependent serine protein kinase; minus strand). Cytogenetic location: Xp11.4.
Variant type: single nucleotide variant.
Coding change: c.2047G>T on transcript NM_001367721.1 (MANE Select); coding-DNA position 2047, G replaced by T.
Protein change: p.Ala683Ser; replaces alanine 683 with serine.
Molecular consequence: missense variant.
Genome position (GRCh38, 1-based): chrX:41,542,799, C>A on the plus strand (G>T on the coding strand, the complement: CASK is on the minus strand). VCF-style: chrX-41542799-C-A. GRCh37 (hg19) VCF-style: chrX-41402052-C-A.
Other names: c.1978G>T, p.Ala660Ser (NM_001126054.3); c.1960G>T, p.Ala654Ser (NM_001126055.3); c.2029G>T, p.Ala677Ser (NM_001410745.1); c.2047G>T, p.Ala683Ser (NM_003688.4); short protein forms A660S, A683S, A677S, A654S.
Identifiers: ClinVar variation 2783455 (VCV002783455.3), dbSNP rs1162012524, ClinGen allele CA412992461.

ClinVar aggregate classification (germline): Uncertain significance (1 of 4 stars; one submission).

Conditions:
Intellectual disability, CASK-related, X-linked. Identifiers: MedGen CN043158.

Submission:

Labcorp Genetics (formerly Invitae), Labcorp
Classification: Uncertain significance for Intellectual disability, CASK-related, X-linked. Last evaluated: 2023-02-18. Review status: criteria provided, single submitter. Criteria: Invitae Variant Classification Sherloc (09022015). Collection method: clinical testing. Allele origin: germline.
Comment: This sequence change replaces alanine, which is neutral and non-polar, with serine, which is neutral and polar, at codon 683 of the CASK protein (p.Ala683Ser). In summary, the available evidence is currently insufficient to determine the role of this variant in disease. Therefore, it has been classified as a Variant of Uncertain Significance. Advanced modeling of protein sequence and biophysical properties (such as structural, functional, and spatial information, amino acid conservation, physicochemical variation, residue mobility, and thermodynamic stability) has been performed at Invitae for this missense variant, however the output from this modeling did not meet the statistical confidence thresholds required to predict the impact of this variant on CASK protein function. This variant has not been reported in the literature in individuals affected with CASK-related conditions. This variant is not present in population databases (gnomAD no frequency).